The following is an entry in ClinVar:

NM_000823.4(GHRHR):c.236C>T (p.Pro79Leu)

Gene: GHRHR (growth hormone releasing hormone receptor; plus strand). Cytogenetic location: 7p14.3.
Variant type: single nucleotide variant.
Coding change: c.236C>T on transcript NM_000823.4 (MANE Select); coding-DNA position 236, C replaced by T.
Protein change: p.Pro79Leu; replaces proline 79 with leucine.
Molecular consequence: missense variant.
Genome position (GRCh38, 1-based): chr7:30,969,138, C>T. VCF-style: chr7-30969138-C-T. GRCh37 (hg19) VCF-style: chr7-31008753-C-T.
Other names: short protein forms P79L.
Identifiers: ClinVar variation 4747555 (VCV004747555.1).

ClinVar aggregate classification (germline): Uncertain significance (1 of 4 stars; one submission).

gnomAD v4.1: 16 of 1,572,192 alleles (0.001%); highest among the groups gnomAD compares: African/African-American, 0.0081%; no homozygotes.

Submission:

Labcorp Genetics (formerly Invitae), Labcorp
Classification: Uncertain significance. Last evaluated: 2025-07-03. Review status: criteria provided, single submitter. Criteria: Invitae Variant Classification Sherloc (09022015). Collection method: clinical testing. Allele origin: germline.
Comment: This sequence change replaces proline, which is neutral and non-polar, with leucine, which is neutral and non-polar, at codon 79 of the GHRHR protein (p.Pro79Leu). The frequency data for this variant in the population databases is considered unreliable, as metrics indicate poor data quality at this position in the gnomAD database. This missense change has been observed in individual(s) with growth hormone deficiency (PMID: 27501283). An algorithm developed to predict the effect of missense changes on protein structure and function (PolyPhen-2) suggests that this variant is likely to be disruptive. Experimental studies have shown that this missense change affects GHRHR function (PMID: 27501283). In summary, the available evidence is currently insufficient to determine the role of this variant in disease. Therefore, it has been classified as a Variant of Uncertain Significance.

Literature cited by the submitters: PubMed 27501283.